The following is an entry in ClinVar:

ClinVar aggregate classification (germline): Uncertain significance (1 of 4 stars; one submission).

Submission:

Labcorp Genetics (formerly Invitae), Labcorp
Classification: Uncertain significance. Last evaluated: 2022-05-07. Review status: criteria provided, single submitter. Criteria: Invitae Variant Classification Sherloc (09022015). Collection method: clinical testing. Allele origin: germline.
Comment: In summary, the available evidence is currently insufficient to determine the role of this variant in disease. Therefore, it has been classified as a Variant of Uncertain Significance. Algorithms developed to predict the effect of missense changes on protein structure and function are either unavailable or do not agree on the potential impact of this missense change (SIFT: "Deleterious"; PolyPhen-2: "Probably Damaging"; Align-GVGD: "Class C0"). This variant has not been reported in the literature in individuals affected with TUB-related conditions. This variant is not present in population databases (gnomAD no frequency). This sequence change replaces phenylalanine, which is neutral and non-polar, with leucine, which is neutral and non-polar, at codon 434 of the TUB protein (p.Phe434Leu).

NM_177972.3(TUB):c.1135T>C (p.Phe379Leu)

Genes: RIC3 (RIC3 acetylcholine receptor chaperone; minus strand), TUB (TUB bipartite transcription factor; plus strand). Cytogenetic location: 11p15.4.
Variant type: single nucleotide variant.
Coding change: c.1135T>C on transcript NM_177972.3 (MANE Select); coding-DNA position 1135, T replaced by C.
Protein change: p.Phe379Leu; replaces phenylalanine 379 with leucine.
Molecular consequence: missense variant.
Genome position (GRCh38, 1-based): chr11:8,100,521, T>C. VCF-style: chr11-8100521-T-C. GRCh37 (hg19) VCF-style: chr11-8122068-T-C.
Other names: c.1300T>C, p.Phe434Leu (NM_003320.5); short protein forms F379L, F434L.
Identifiers: ClinVar variation 2135014 (VCV002135014.4), dbSNP rs2539287923, ClinGen allele CA379570894.